The following is an entry in ClinVar:

NM_001001344.3(ATP2B3):c.3524C>T (p.Pro1175Leu)

Gene: ATP2B3 (ATPase plasma membrane Ca2+ transporting 3; plus strand). Cytogenetic location: Xq28.
Variant type: single nucleotide variant.
Coding change: c.3524C>T on transcript NM_001001344.3 (MANE Select); coding-DNA position 3524, C replaced by T.
Protein change: p.Pro1175Leu; replaces proline 1175 with leucine.
Molecular consequence: missense variant. On other transcripts: 3 prime UTR variant (2).
Genome position (GRCh38, 1-based): chrX:153,580,159, C>T. VCF-style: chrX-153580159-C-T. GRCh37 (hg19) VCF-style: chrX-152845617-C-T.
Other names: c.*156C>T (NM_001388360.1, NM_021949.4); c.3524C>T, p.Pro1175Leu (NM_001388361.1); short protein forms P1175L.
Identifiers: ClinVar variation 3030821 (VCV003030821.2), dbSNP rs782212787, ClinGen allele CA10548276.

ClinVar aggregate classification (germline): Likely benign (0 of 4 stars; one submission).

Conditions:
ATP2B3-related disorder. Also called: ATP2B3-related condition.

Allele frequency attached by ClinVar (database versions not stated): TOPMed 0.00002; gnomAD 0.00003; ExAC 0.00005.
gnomAD v4.1: 10 of 1,203,750 alleles (0.00083%); highest among the groups gnomAD compares: Middle Eastern, 0.023%; no homozygotes.

Submission:

PreventionGenetics, part of Exact Sciences
Classification: Likely benign for ATP2B3-related condition. Last evaluated: 2021-04-01. Review status: no assertion criteria provided. Collection method: clinical testing. Allele origin: germline.
Comment: This variant is classified as likely benign based on ACMG/AMP sequence variant interpretation guidelines (Richards et al. 2015 PMID: 25741868, with internal and published modifications).